The following is an entry in ClinVar:

NM_003072.5(SMARCA4):c.4922G>A (p.Gly1641Glu)

Gene: SMARCA4 (SWI/SNF related BAF chromatin remodeling complex subunit ATPase 4; plus strand). Cytogenetic location: 19p13.2.
Variant type: single nucleotide variant.
Coding change: c.4922G>A on transcript NM_003072.5 (MANE Select); coding-DNA position 4922, G replaced by A.
Protein change: p.Gly1641Glu; replaces glycine 1641 with glutamic acid.
Molecular consequence: missense variant. On other transcripts: non-coding transcript variant (1).
Genome position (GRCh38, 1-based): chr19:11,061,794, G>A. VCF-style: chr19-11061794-G-A. GRCh37 (hg19) VCF-style: chr19-11172470-G-A.
Other names: c.4922G>A, p.Gly1641Glu (NM_001128844.3); c.4832G>A, p.Gly1611Glu (NM_001128845.2); c.4829G>A, p.Gly1610Glu (NM_001128846.2); c.4823G>A, p.Gly1608Glu (NM_001128847.4, NM_001374457.1); c.4820G>A, p.Gly1607Glu (NM_001128848.2); c.5018G>A, p.Gly1673Glu (NM_001128849.3, NM_001387283.1); short protein forms G1673E, G1607E, G1641E, G1608E, G1610E, G1611E.
Identifiers: ClinVar variation 537778 (VCV000537778.8), dbSNP rs1555797457, ClinGen allele CA404081855.

ClinVar aggregate classification (germline): Uncertain significance (1 of 4 stars; one submission).

Conditions:
Rhabdoid tumor predisposition syndrome 2 (RTPS2). Identifiers: Orphanet 231108, Orphanet 69077, MedGen C2750074, MONDO:0013224, OMIM 613325.

Submission:

Labcorp Genetics (formerly Invitae), Labcorp
Classification: Uncertain significance for Rhabdoid tumor predisposition syndrome 2. Last evaluated: 2025-08-08. Review status: criteria provided, single submitter. Criteria: Invitae Variant Classification Sherloc (09022015). Collection method: clinical testing. Allele origin: germline.
Comment: This sequence change replaces glycine, which is neutral and non-polar, with glutamic acid, which is acidic and polar, at codon 1673 of the SMARCA4 protein (p.Gly1673Glu). This variant is not present in population databases (gnomAD no frequency). This variant has not been reported in the literature in individuals affected with SMARCA4-related conditions. ClinVar contains an entry for this variant (Variation ID: 537778). Experimental studies and prediction algorithms are not available or were not evaluated, and the functional significance of this variant is currently unknown. In summary, the available evidence is currently insufficient to determine the role of this variant in disease. Therefore, it has been classified as a Variant of Uncertain Significance.